The following is an entry in ClinVar:

NM_006892.4(DNMT3B):c.467C>T (p.Thr156Met)

Gene: DNMT3B (DNA methyltransferase 3 beta; plus strand). Cytogenetic location: 20q11.21.
Variant type: single nucleotide variant.
Coding change: c.467C>T on transcript NM_006892.4 (MANE Select); coding-DNA position 467, C replaced by T.
Protein change: p.Thr156Met; replaces threonine 156 with methionine.
Molecular consequence: missense variant.
Genome position (GRCh38, 1-based): chr20:32,787,264, C>T. VCF-style: chr20-32787264-C-T. GRCh37 (hg19) VCF-style: chr20-31375070-C-T.
Other names: c.341C>T, p.Thr114Met (NM_001207055.2); c.239C>T, p.Thr80Met (NM_001207056.2); c.467C>T, p.Thr156Met (NM_175848.2, NM_175849.2); c.503C>T, p.Thr168Met (NM_175850.3); short protein forms T156M, T114M, T80M, T168M.
Identifiers: ClinVar variation 569258 (VCV000569258.10), dbSNP rs759777486, ClinGen allele CA9810227.

ClinVar aggregate classification (germline): Uncertain significance. Review status: criteria provided, multiple submitters, no conflicts (2 of 4 stars). 2 submissions from 2 submitters: Uncertain significance (2). Last evaluated 2026-05-01.

Conditions:
Centromeric instability of chromosomes 1,9 and 16 and immunodeficiency (ICF1). Also called: IMMUNE DEFICIENCY, VARIABLE, WITH CENTROMERIC INSTABILITY OF CHROMOSOMES 1, 9, AND 16; IMMUNODEFICIENCY SYNDROME, VARIABLE; Immunodeficiency-centromeric instability-facial anomalies; CENTROMERIC INSTABILITY, IMMUNODEFICIENCY SYNDROME. Identifiers: Orphanet 2268, MedGen C0398788, MONDO:0000133.

Allele frequency attached by ClinVar (database versions not stated): gnomAD exomes 0.00002 and 0.00004; gnomAD 0.00003; TOPMed 0.00003.
gnomAD v4.1: 71 of 1,614,096 alleles (0.0044%); highest among the groups gnomAD compares: East Asian, 0.0067%; no homozygotes.

Submissions (2):

CeGaT Center for Human Genetics Tuebingen
Classification: Uncertain significance. Last evaluated: 2026-05-01. Review status: criteria provided, single submitter. Criteria: CeGaT Center For Human Genetics Tuebingen Variant Classification Criteria Version 2. Collection method: clinical testing. Allele origin: germline. Affected: yes. Observed: 1 variant allele.
Comment: DNMT3B: PM2

Labcorp Genetics (formerly Invitae), Labcorp
Classification: Uncertain significance for Centromeric instability of chromosomes 1,9 and 16 and immunodeficiency. Last evaluated: 2021-12-25. Review status: criteria provided, single submitter. Criteria: Invitae Variant Classification Sherloc (09022015). Collection method: clinical testing. Allele origin: germline.
Comment: This sequence change replaces threonine, which is neutral and polar, with methionine, which is neutral and non-polar, at codon 156 of the DNMT3B protein (p.Thr156Met). This variant is present in population databases (rs759777486, gnomAD 0.004%). This variant has not been reported in the literature in individuals affected with DNMT3B-related conditions. ClinVar contains an entry for this variant (Variation ID: 569258). Algorithms developed to predict the effect of missense changes on protein structure and function are either unavailable or do not agree on the potential impact of this missense change (SIFT: "Deleterious"; PolyPhen-2: "Benign"; Align-GVGD: "Class C0"). In summary, the available evidence is currently insufficient to determine the role of this variant in disease. Therefore, it has been classified as a Variant of Uncertain Significance.